The following is an entry in ClinVar:

ClinVar aggregate classification (germline): Uncertain significance. Review status: criteria provided, multiple submitters, no conflicts (2 of 4 stars). 3 submissions from 3 submitters: Uncertain significance (3). Last evaluated 2022-07-20.

Conditions:
Primary ciliary dyskinesia. Also called: Ciliary dyskinesia. Identifiers: Orphanet 244, MedGen C0008780, MONDO:0016575, HP:0012265.

Allele frequency attached by ClinVar (database versions not stated): gnomAD 0.00002 and 0.00003; TOPMed 0.00002; gnomAD exomes 0.00007; ExAC 0.00013; 1000 Genomes Project 30x 0.00016; 1000 Genomes Project 0.00020.
gnomAD v4.1: 172 of 1,606,824 alleles (0.011%); highest among the groups gnomAD compares: Non-Finnish European, 0.014%; no homozygotes.

Submissions (3):

Labcorp Genetics (formerly Invitae), Labcorp
Classification: Uncertain significance for Primary ciliary dyskinesia. Last evaluated: 2022-07-20. Review status: criteria provided, single submitter. Criteria: Invitae Variant Classification Sherloc (09022015). Collection method: clinical testing. Allele origin: germline.
Comment: This sequence change replaces glycine, which is neutral and non-polar, with cysteine, which is neutral and slightly polar, at codon 2773 of the DNAH11 protein (p.Gly2773Cys). This variant is present in population databases (rs569296562, gnomAD 0.01%). This variant has not been reported in the literature in individuals affected with DNAH11-related conditions. ClinVar contains an entry for this variant (Variation ID: 666116). Algorithms developed to predict the effect of missense changes on protein structure and function are either unavailable or do not agree on the potential impact of this missense change (SIFT: "Deleterious"; PolyPhen-2: "Probably Damaging"; Align-GVGD: "Class C15"). Algorithms developed to predict the effect of sequence changes on RNA splicing suggest that this variant may disrupt the consensus splice site. In summary, the available evidence is currently insufficient to determine the role of this variant in disease. Therefore, it has been classified as a Variant of Uncertain Significance.

Ambry Genetics
Classification: Uncertain significance for Primary ciliary dyskinesia. Last evaluated: 2022-07-06. Review status: criteria provided, single submitter. Criteria: Ambry Variant Classification Scheme 2023. Collection method: clinical testing. Allele origin: germline.
Comment: The p.G2773C variant (also known as c.8317G>T) is located in coding exon 51 of the DNAH11 gene. The glycine at codon 2773 is replaced by cysteine, an amino acid with highly dissimilar properties. This change occurs in the first base pair of coding exon 51. This amino acid position is conserved. In addition, this alteration is predicted to be tolerated by in silico analysis. Since supporting evidence is limited at this time, the clinical significance of this alteration remains unclear.

UNC Molecular Genetics  Laboratory, University of North Carolina at Chapel Hill
Classification: Uncertain significance for Primary ciliary dyskinesia. Last evaluated: 2020-09-01. Review status: criteria provided, single submitter. Criteria: ACMG Guidelines, 2015. Collection method: clinical testing. Allele origin: germline. Observed: 1 heterozygote.

NM_001277115.2(DNAH11):c.8317G>T (p.Gly2773Cys)

Gene: DNAH11 (dynein axonemal heavy chain 11; plus strand). Cytogenetic location: 7p15.3.
Variant type: single nucleotide variant.
Coding change: c.8317G>T on transcript NM_001277115.2 (MANE Select); coding-DNA position 8317, G replaced by T.
Protein change: p.Gly2773Cys; replaces glycine 2773 with cysteine.
Molecular consequence: missense variant.
Genome position (GRCh38, 1-based): chr7:21,744,870, G>T. VCF-style: chr7-21744870-G-T. GRCh37 (hg19) VCF-style: chr7-21784488-G-T.
Other names: short protein forms G2773C.
Identifiers: ClinVar variation 666116 (VCV000666116.11), dbSNP rs569296562, ClinGen allele CA4181570.